The following is an entry in ClinVar:

NM_133433.4(NIPBL):c.3380A>G (p.Asp1127Gly)

Gene: NIPBL (NIPBL cohesin loading factor; plus strand). Cytogenetic location: 5p13.2.
Variant type: single nucleotide variant.
Coding change: c.3380A>G on transcript NM_133433.4 (MANE Select); coding-DNA position 3380, A replaced by G.
Protein change: p.Asp1127Gly; replaces aspartic acid 1127 with glycine.
Molecular consequence: missense variant.
Genome position (GRCh38, 1-based): chr5:37,000,448, A>G. VCF-style: chr5-37000448-A-G. GRCh37 (hg19) VCF-style: chr5-37000550-A-G.
Other names: c.3380A>G, p.Asp1127Gly (NM_015384.5); short protein forms D1127G.
Identifiers: ClinVar variation 1376928 (VCV001376928.6), dbSNP rs2149669051, ClinGen allele CA359517747.

ClinVar aggregate classification (germline): Uncertain significance (1 of 4 stars; one submission).

Conditions:
Cornelia de Lange syndrome 1 (CDLS1). Also called: Brachmann de Lange syndrome; NIPBL-Related Cornelia de Lange Syndrome; TYPUS DEGENERATIVUS AMSTELODAMENSIS. Identifiers: Orphanet 199, MedGen C4551851, MONDO:0007387, OMIM 122470.

Submission:

Labcorp Genetics (formerly Invitae), Labcorp
Classification: Uncertain significance for Cornelia de Lange syndrome 1. Last evaluated: 2021-10-02. Review status: criteria provided, single submitter. Criteria: Invitae Variant Classification Sherloc (09022015). Collection method: clinical testing. Allele origin: germline.
Comment: In summary, the available evidence is currently insufficient to determine the role of this variant in disease. Therefore, it has been classified as a Variant of Uncertain Significance. Advanced modeling of protein sequence and biophysical properties (such as structural, functional, and spatial information, amino acid conservation, physicochemical variation, residue mobility, and thermodynamic stability) performed at Invitae indicates that this missense variant is expected to disrupt NIPBL protein function. This variant has not been reported in the literature in individuals affected with NIPBL-related conditions. This variant is not present in population databases (ExAC no frequency). This sequence change replaces aspartic acid with glycine at codon 1127 of the NIPBL protein (p.Asp1127Gly). The aspartic acid residue is moderately conserved and there is a moderate physicochemical difference between aspartic acid and glycine.